The following is an entry in ClinVar:

NM_001172690.2(ZNF573):c.1164C>T (p.Cys388=)

Gene: ZNF573 (zinc finger protein 573; minus strand). Cytogenetic location: 19q13.12.
Variant type: single nucleotide variant.
Coding change: c.1164C>T on transcript NM_001172690.2 (MANE Select); coding-DNA position 1164, C replaced by T.
Protein change: p.Cys388=; no amino-acid change (cysteine 388 retained).
Molecular consequence: synonymous variant.
Genome position (GRCh38, 1-based): chr19:37,739,326, G>A on the plus strand (C>T on the coding strand, the complement: ZNF573 is on the minus strand). VCF-style: chr19-37739326-G-A. GRCh37 (hg19) VCF-style: chr19-38230227-G-A.
Other names: c.900C>T, p.Cys300= (NM_001172689.2, NM_001172692.2); c.1158C>T, p.Cys386= (NM_001172691.2); c.990C>T, p.Cys330= (NM_152360.4).
Identifiers: ClinVar variation 2649777 (VCV002649777.24), dbSNP rs1468921924, ClinGen allele CA507340736.

ClinVar aggregate classification (germline): Likely benign (1 of 4 stars; one submission).

Submission:

CeGaT Center for Human Genetics Tuebingen
Classification: Likely benign. Last evaluated: 2023-03-01. Review status: criteria provided, single submitter. Criteria: CeGaT Center For Human Genetics Tuebingen Variant Classification Criteria Version 2. Collection method: clinical testing. Allele origin: germline. Affected: yes. Observed: 1 variant allele.
Comment: ZNF573: BP4, BP7